The following is an entry in ClinVar:

NM_001365902.3(NFIX):c.352G>A (p.Asp118Asn)

Gene: NFIX (nuclear factor I X; plus strand). Cytogenetic location: 19p13.13.
Variant type: single nucleotide variant.
Coding change: c.352G>A on transcript NM_001365902.3 (MANE Select); coding-DNA position 352, G replaced by A.
Protein change: p.Asp118Asn; replaces aspartic acid 118 with asparagine.
Molecular consequence: missense variant.
Genome position (GRCh38, 1-based): chr19:13,025,345, G>A. VCF-style: chr19-13025345-G-A. GRCh37 (hg19) VCF-style: chr19-13136159-G-A.
Other names: c.376G>A, p.Asp126Asn (NM_001271043.2); c.328G>A, p.Asp110Asn (NM_001271044.3, NM_001378404.1, NM_001440616.1 and 1 more transcripts); c.352G>A, p.Asp118Asn (NM_001365982.2, NM_002501.4); c.211G>A, p.Asp71Asn (NM_001365983.2); c.349G>A, p.Asp117Asn (NM_001365984.2, NM_001365985.2); c.400G>A, p.Asp134Asn (NM_001378405.1); short protein forms D110N, D117N, D118N, D126N, D134N, D71N.
Identifiers: ClinVar variation 4850768 (VCV004850768.1).

ClinVar aggregate classification (germline): Likely pathogenic (1 of 4 stars; one submission).

Conditions:
Malan overgrowth syndrome (MALNS). Also called: Sotos syndrome 2; MALAN SYNDROME; NFIX-Related Malan Syndrome. Identifiers: Orphanet 420179, MedGen C3553660, MONDO:0013885, OMIM 614753.

Submission:

Variantyx, Inc.
Classification: Likely pathogenic for Malan overgrowth syndrome. Last evaluated: 2025-09-26. Review status: criteria provided, single submitter. Criteria: Variantyx Assertion Criteria 2022. Collection method: clinical testing. Allele origin: de novo. Inheritance: Autosomal dominant inheritance. Affected: yes.
Comment: This is a nonsynonymous variant in the NFIX gene (OMIM: 164005). Pathogenic variants in this gene have been associated with autosomal dominant Malan syndrome. The alteration lies within a known hotspot for pathogenic variants or a well-established critical functional domain of the NFIX protein (PMID: 31369202, 31751304, 32277047, 22982744, 26193383) (PM1), ad multiple computational algorithms predict a deleterious effect for this variant (REVEL score: 0.677) (PP3). This variant is absent from control populations (PM2) and it has not been reported in individuals with NFIX-related disorders in the databases available for review. Based on the current evidence, this variant is classified as likely pathogenic for autosomal dominant Malan syndrome.

Literature cited by the submitters: PubMed 31369202; PubMed 31751304; PubMed 32277047; PubMed 22982744; PubMed 26193383.